The following is an entry in ClinVar:

ClinVar aggregate classification (germline): Uncertain significance (1 of 4 stars; one submission).

Submission:

GeneDx
Classification: Uncertain significance. Last evaluated: 2024-04-01. Review status: criteria provided, single submitter. Criteria: GeneDx Variant Classification Process June 2021. Collection method: clinical testing. Allele origin: germline. Affected: yes.
Comment: Not observed at significant frequency in large population cohorts (gnomAD); In silico analysis supports that this missense variant does not alter protein structure/function; Has not been previously published as pathogenic or benign to our knowledge

NM_183357.3(ADCY5):c.2902G>T (p.Asp968Tyr)

Gene: ADCY5 (adenylate cyclase 5; minus strand). Cytogenetic location: 3q21.1.
Variant type: single nucleotide variant.
Coding change: c.2902G>T on transcript NM_183357.3 (MANE Select); coding-DNA position 2902, G replaced by T.
Protein change: p.Asp968Tyr; replaces aspartic acid 968 with tyrosine.
Molecular consequence: missense variant.
Genome position (GRCh38, 1-based): chr3:123,297,381, C>A on the plus strand (G>T on the coding strand, the complement: ADCY5 is on the minus strand). VCF-style: chr3-123297381-C-A. GRCh37 (hg19) VCF-style: chr3-123016228-C-A.
Other names: c.1852G>T, p.Asp618Tyr (NM_001199642.1); c.2902G>T, p.Asp968Tyr (NM_001378259.1); short protein forms D618Y, D968Y.
Identifiers: ClinVar variation 3371976 (VCV003371976.1).